The following is an entry in ClinVar:

NM_002241.5(KCNJ10):c.248G>C (p.Gly83Ala)

Gene: KCNJ10 (potassium inwardly rectifying channel subfamily J member 10; minus strand). Cytogenetic location: 1q23.2.
Variant type: single nucleotide variant.
Coding change: c.248G>C on transcript NM_002241.5 (MANE Select); coding-DNA position 248, G replaced by C.
Protein change: p.Gly83Ala; replaces glycine 83 with alanine.
Molecular consequence: missense variant.
Genome position (GRCh38, 1-based): chr1:160,042,285, C>G on the plus strand (G>C on the coding strand, the complement: KCNJ10 is on the minus strand). VCF-style: chr1-160042285-C-G. GRCh37 (hg19) VCF-style: chr1-160012075-C-G.
Other names: short protein forms G83A.
Identifiers: ClinVar variation 1382151 (VCV001382151.6), dbSNP rs17853258, ClinGen allele CA1193266.

ClinVar aggregate classification (germline): Uncertain significance. Review status: criteria provided, multiple submitters, no conflicts (2 of 4 stars). 3 submissions from 3 submitters: Uncertain significance (3). Last evaluated 2022-01-18.

Conditions:
Inborn genetic diseases. Identifiers: MedGen C0950123, MeSH D030342.
Pendred syndrome (PDS). Also called: Pendred Syndrome (PDS); HYPOTHYROIDISM, CONGENITAL, DUE TO DYSHORMONOGENESIS, 2B; THYROID DYSHORMONOGENESIS 2B; THYROID HORMONOGENESIS, GENETIC DEFECT IN, 2B; DEAFNESS WITH GOITER; GOITER-DEAFNESS SYNDROME. Identifiers: Orphanet 705, MedGen C0271829, MONDO:0010134, OMIM 274600.
EAST syndrome (SESAMES). Also called: SEIZURES, SENSORINEURAL DEAFNESS, ATAXIA, IMPAIRED INTELLECTUAL DEVELOPMENT, AND ELECTROLYTE IMBALANCE. Identifiers: Orphanet 199343, MedGen C2748572, MONDO:0013005, OMIM 612780.
Autosomal recessive nonsyndromic hearing loss 4 (DFNB4). Also called: Enlarged vestibular aqueduct, digenic; DEAFNESS, AUTOSOMAL RECESSIVE 4, WITH ENLARGED VESTIBULAR AQUEDUCT, DIGENIC; NEUROSENSORY NONSYNDROMIC RECESSIVE DEAFNESS 4; Deafness, autosomal recessive 4, with enlarged vestibular aqueduct; Nonsyndromic enlarged vestibular aqueduct (NSEVA); Deafness, autosomal recessive 4. Identifiers: Orphanet 90636, MedGen C3538946, MONDO:0010933, OMIM 600791.

Allele frequency attached by ClinVar (database versions not stated): gnomAD exomes below 0.00001; ExAC 0.00001; TOPMed 0.00002; ESP Exome Variant Server 0.00008.
gnomAD v4.1: 2 of 1,614,030 alleles (0.00012%); highest among the groups gnomAD compares: Non-Finnish European, 0.00017%; no homozygotes.

Submissions (3):

Labcorp Genetics (formerly Invitae), Labcorp
Classification: Uncertain significance for EAST syndrome. Last evaluated: 2022-01-18. Review status: criteria provided, single submitter. Criteria: Invitae Variant Classification Sherloc (09022015). Collection method: clinical testing. Allele origin: germline.
Comment: This sequence change replaces glycine, which is neutral and non-polar, with alanine, which is neutral and non-polar, at codon 83 of the KCNJ10 protein (p.Gly83Ala). This variant is present in population databases (rs17853258, gnomAD 0.0009%). This variant has not been reported in the literature in individuals affected with KCNJ10-related conditions. Algorithms developed to predict the effect of missense changes on protein structure and function are either unavailable or do not agree on the potential impact of this missense change (SIFT: "Tolerated"; PolyPhen-2: "Probably Damaging"; Align-GVGD: "Class C0"). In summary, the available evidence is currently insufficient to determine the role of this variant in disease. Therefore, it has been classified as a Variant of Uncertain Significance.

Fulgent Genetics
Classification: Uncertain significance for Pendred syndrome; Autosomal recessive nonsyndromic hearing loss 4; EAST syndrome. Last evaluated: 2021-08-16. Review status: criteria provided, single submitter. Criteria: ACMG Guidelines, 2015. Collection method: clinical testing. Allele origin: unknown.

Ambry Genetics
Classification: Uncertain significance for Inborn genetic diseases. Last evaluated: 2019-07-02. Review status: criteria provided, single submitter. Criteria: Ambry Variant Classification Scheme 2023. Collection method: clinical testing. Allele origin: germline.
Comment: The p.G83A variant (also known as c.248G>C), located in coding exon 1 of the KCNJ10 gene, results from a G to C substitution at nucleotide position 248. The glycine at codon 83 is replaced by alanine, an amino acid with similar properties. This amino acid position is highly conserved in available vertebrate species. In addition, this alteration is predicted to be deleterious by in silico analysis. Since supporting evidence is limited at this time, the clinical significance of this alteration remains unclear.